The following is an entry in ClinVar:

NM_000051.4(ATM):c.5079T>C (p.Asp1693=)

Gene: ATM (ATM serine/threonine kinase; plus strand). Cytogenetic location: 11q22.3.
Variant type: single nucleotide variant.
Coding change: c.5079T>C on transcript NM_000051.4 (MANE Select); coding-DNA position 5079, T replaced by C.
Protein change: p.Asp1693=; no amino-acid change (aspartic acid 1693 retained).
Molecular consequence: synonymous variant.
Genome position (GRCh38, 1-based): chr11:108,299,787, T>C. VCF-style: chr11-108299787-T-C. GRCh37 (hg19) VCF-style: chr11-108170514-T-C.
Other names: c.5079T>C, p.Asp1693= (NM_001351834.2).
Identifiers: ClinVar variation 1171409 (VCV001171409.12), dbSNP rs753036834, ClinGen allele CA6265626.

ClinVar aggregate classification (germline): Benign/Likely benign. Review status: criteria provided, multiple submitters, no conflicts (2 of 4 stars). 4 submissions from 4 submitters: Benign (1); Likely benign (3). Last evaluated 2026-09-12.

Conditions:
Hereditary cancer-predisposing syndrome. Also called: Neoplastic Syndromes, Hereditary; Tumor predisposition; Hereditary Cancer Syndrome; Hereditary neoplastic syndrome. Identifiers: Orphanet 140162, MedGen C0027672, MeSH D009386, MONDO:0015356.
Familial cancer of breast. Also called: Hereditary breast cancer; hereditary breast carcinoma; BREAST CANCER, FAMILIAL. Identifiers: Orphanet 227535, MedGen C0346153, MONDO:0016419, OMIM 114480. Disease mechanism: loss of function.
Ataxia-telangiectasia syndrome (AT). Also called: Ataxia-telangiectasia, complementation group D; ATAXIA-TELANGIECTASIA, COMPLEMENTATION GROUP A; ATAXIA-TELANGIECTASIA, FRESNO VARIANT; Ataxia-telangiectasia; Ataxia telangiectasia (A-T); AT, COMPLEMENTATION GROUP C. Identifiers: Orphanet 100, MedGen C0004135, MONDO:0008840, OMIM 208900.

Allele frequency attached by ClinVar (database versions not stated): gnomAD 0.00001; gnomAD exomes 0.00001; ExAC 0.00001.
gnomAD v4.1: 7 of 1,613,924 alleles (0.00043%); highest among the groups gnomAD compares: Non-Finnish European, 0.000085%; no homozygotes.

Submissions (4):

Ambry Genetics
Classification: Likely benign for Hereditary cancer-predisposing syndrome. Last evaluated: 2026-09-12. Review status: criteria provided, single submitter. Criteria: Ambry Variant Classification Scheme 2023. Collection method: clinical testing. Allele origin: germline.

Myriad Genetics, Inc.
Classification: Benign for Familial cancer of breast. Last evaluated: 2024-05-22. Review status: criteria provided, single submitter. Criteria: Myriad Autosomal Dominant, Autosomal Recessive and X-Linked Classification Criteria (2023). Collection method: clinical testing. Allele origin: unknown.
Comment: This variant is considered benign. This variant is a silent/synonymous amino acid change and it is not expected to impact splicing.

Labcorp Genetics (formerly Invitae), Labcorp
Classification: Likely benign for Ataxia-telangiectasia syndrome. Last evaluated: 2021-10-25. Review status: criteria provided, single submitter. Criteria: Invitae Variant Classification Sherloc (09022015). Collection method: clinical testing. Allele origin: germline.

Color Diagnostics, LLC DBA Color Health
Classification: Likely benign for Hereditary cancer-predisposing syndrome. Last evaluated: 2020-05-11. Review status: criteria provided, single submitter. Criteria: ACMG Guidelines, 2015. Collection method: clinical testing. Allele origin: germline.